The following is an entry in ClinVar:

ClinVar aggregate classification (germline): Conflicting classifications of pathogenicity. Review status: criteria provided, conflicting classifications (1 of 4 stars). 5 submissions from 5 submitters: Uncertain significance (4); Likely benign (1). Last evaluated 2025-12-17.

Conditions:
Hereditary cancer-predisposing syndrome. Also called: Hereditary neoplastic syndrome; Neoplastic Syndromes, Hereditary; Hereditary Cancer Syndrome; Tumor predisposition. Identifiers: Orphanet 140162, MedGen C0027672, MeSH D009386, MONDO:0015356.
Familial adenomatous polyposis 1 (FAP1). Also called: FAMILIAL ADENOMATOUS POLYPOSIS 1, ATTENUATED; POLYPOSIS, ADENOMATOUS INTESTINAL. Identifiers: MedGen C2713442, MONDO:0021056, OMIM 175100. Disease mechanism: loss of function.

Allele frequency attached by ClinVar (database versions not stated): gnomAD exomes 0.00001; TOPMed 0.00001.
gnomAD v4.1: 6 of 1,613,980 alleles (0.00037%); highest among the groups gnomAD compares: Non-Finnish European, 0.00051%; no homozygotes.

Submissions (5):

Ambry Genetics
Classification: Likely benign for Hereditary cancer-predisposing syndrome. Last evaluated: 2025-12-17. Review status: criteria provided, single submitter. Criteria: Ambry Variant Classification Scheme 2023. Collection method: clinical testing. Allele origin: germline.

Labcorp Genetics (formerly Invitae), Labcorp
Classification: Uncertain significance for Familial adenomatous polyposis 1. Last evaluated: 2025-09-11. Review status: criteria provided, single submitter. Criteria: Invitae Variant Classification Sherloc (09022015). Collection method: clinical testing. Allele origin: germline.
Comment: This sequence change replaces serine, which is neutral and polar, with leucine, which is neutral and non-polar, at codon 2307 of the APC protein (p.Ser2307Leu). This variant is not present in population databases (gnomAD no frequency). This variant has not been reported in the literature in individuals affected with APC-related conditions. ClinVar contains an entry for this variant (Variation ID: 574503). Invitae Evidence Modeling of protein sequence and biophysical properties (such as structural, functional, and spatial information, amino acid conservation, physicochemical variation, residue mobility, and thermodynamic stability) indicates that this missense variant is not expected to disrupt APC protein function with a negative predictive value of 95%. In summary, the available evidence is currently insufficient to determine the role of this variant in disease. Therefore, it has been classified as a Variant of Uncertain Significance.

Quest Diagnostics Nichols Institute San Juan Capistrano
Classification: Uncertain significance. Last evaluated: 2024-08-25. Review status: criteria provided, single submitter. Criteria: Quest Diagnostics criteria. Collection method: clinical testing. Allele origin: unknown.
Comment: The APC c.6920C>T (p.Ser2307Leu) variant has been only briefly reported in the published literature in various tumor studies (PMIDs: 31543384 (2019), 32751567 (2020), 38282550 (2024)). This variant has not been reported in large, multi-ethnic general populations (Genome Aggregation Database). Analysis of this variant using bioinformatics tools for the prediction of the effect of amino acid changes on protein structure and function yielded conflicting predictions that this variant is benign or damaging. Based on the available information, we are unable to determine the clinical significance of this variant.

Blueprint Genetics
Classification: Uncertain significance. Last evaluated: 2023-07-26. Review status: criteria provided, single submitter. Criteria: ACMG Guidelines, 2015. Collection method: clinical testing. Allele origin: germline.

Color Diagnostics, LLC DBA Color Health
Classification: Uncertain significance for Hereditary cancer-predisposing syndrome. Last evaluated: 2021-08-23. Review status: criteria provided, single submitter. Criteria: ACMG Guidelines, 2015. Collection method: clinical testing. Allele origin: germline.
Comment: This missense variant replaces serine with leucine at codon 2307 of the APC protein. Computational prediction is inconclusive regarding the impact of this variant on protein structure and function (internally defined REVEL score threshold 0.5 < inconclusive < 0.7, PMID: 27666373). Splice site prediction tools suggest that this variant may not impact RNA splicing. To our knowledge, functional studies have not been reported for this variant. This variant has not been reported in individuals affected with hereditary cancer in the literature. This variant has not been identified in the general population by the Genome Aggregation Database (gnomAD). The available evidence is insufficient to determine the role of this variant in disease conclusively. Therefore, this variant is classified as a Variant of Uncertain Significance.

Literature cited by the submitters: PubMed 23085758 (cited by Quest Diagnostics Nichols Institute San Juan Capistrano); PubMed 28642281 (cited by Quest Diagnostics Nichols Institute San Juan Capistrano); PubMed 32751567 (cited by Quest Diagnostics Nichols Institute San Juan Capistrano); PubMed 31543384 (cited by Quest Diagnostics Nichols Institute San Juan Capistrano); PubMed 38359148 (cited by Quest Diagnostics Nichols Institute San Juan Capistrano); PubMed 38898987 (cited by Quest Diagnostics Nichols Institute San Juan Capistrano); PubMed 38282550 (cited by Quest Diagnostics Nichols Institute San Juan Capistrano).

NM_000038.6(APC):c.6920C>T (p.Ser2307Leu)

Gene: APC (APC regulator of Wnt signaling pathway; plus strand). Cytogenetic location: 5q22.2.
Variant type: single nucleotide variant.
Coding change: c.6920C>T on transcript NM_000038.6 (MANE Select); coding-DNA position 6920, C replaced by T.
Protein change: p.Ser2307Leu; replaces serine 2307 with leucine.
Molecular consequence: missense variant.
Genome position (GRCh38, 1-based): chr5:112,842,514, C>T. VCF-style: chr5-112842514-C-T. GRCh37 (hg19) VCF-style: chr5-112178211-C-T.
Other names: c.6920C>T, p.Ser2307Leu (NM_001127510.3, NM_001354895.2); c.6866C>T, p.Ser2289Leu (NM_001127511.3); c.6974C>T, p.Ser2325Leu (NM_001354896.2); c.6950C>T, p.Ser2317Leu (NM_001354897.2); c.6845C>T, p.Ser2282Leu (NM_001354898.2); c.6836C>T, p.Ser2279Leu (NM_001354899.2); c.6797C>T, p.Ser2266Leu (NM_001354900.2); c.6743C>T, p.Ser2248Leu (NM_001354901.2); and 5 more; short protein forms S2289L, S2307L, S2206L, S2317L, S2024L, S2325L, S2181L, S2248L.
Identifiers: ClinVar variation 574503 (VCV000574503.20), dbSNP rs901983934, ClinGen allele CA16036429.